The following is an entry in ClinVar:

NM_015057.5(MYCBP2):c.4972T>G (p.Phe1658Val)

Gene: MYCBP2 (MYC binding protein 2; minus strand). Cytogenetic location: 13q22.3.
Variant type: single nucleotide variant.
Coding change: c.4972T>G on transcript NM_015057.5 (MANE Select); coding-DNA position 4972, T replaced by G.
Protein change: p.Phe1658Val; replaces phenylalanine 1658 with valine.
Molecular consequence: missense variant.
Genome position (GRCh38, 1-based): chr13:77,180,288, A>C on the plus strand (T>G on the coding strand, the complement: MYCBP2 is on the minus strand). VCF-style: chr13-77180288-A-C. GRCh37 (hg19) VCF-style: chr13-77754423-A-C.
Other names: short protein forms F1658V.
Identifiers: ClinVar variation 4532692 (VCV004532692.1).
Genomic context (GRCh38, chr13:77,180,288, plus strand): 5'-TCAGGCTGTTCCTGACTGGTAGCACAACAATGACCAGCATTTTCTCCAGAACTTCACGGA[A>C]GCTTGTCATCCCTGAGATATTCTCTTCACTCTGCGATACATAAGAAAAAGTTCTAAGGTA-3'
Protein context (NP_055872.4, residues 1648-1668): SEENISGMTS[Phe1658Val]REVLEKMLVI

ClinVar aggregate classification (germline): Uncertain significance (1 of 4 stars; one submission).

Submission:

GeneDx
Classification: Uncertain significance. Last evaluated: 2025-05-28. Review status: criteria provided, single submitter. Criteria: GeneDx Variant Classification Process June 2021. Collection method: clinical testing. Allele origin: germline. Affected: yes.
Comment: Not observed at significant frequency in large population cohorts (gnomAD); In silico analysis supports that this missense variant has a deleterious effect on protein structure/function; Has not been previously published as pathogenic or benign to our knowledge